The following is an entry in ClinVar:

NC_000011.10:g.47351292delinsCCTC

Gene: MYBPC3 (myosin binding protein C3; minus strand). Cytogenetic location: 11p11.2.
Variant type: Indel.
Genome position: GRCh38 VCF-style: chr11-47351292-G-CCTC. GRCh37 (hg19) VCF-style: chr11-47372843-G-CCTC.
Other names: c.239delCinsGAGG (NM_000256.3).
Identifiers: ClinVar variation 177816 (VCV000177816.18), dbSNP rs727504335, ClinGen allele CA180812.

ClinVar aggregate classification (germline): Uncertain significance. Review status: criteria provided, multiple submitters, no conflicts (2 of 4 stars). 6 submissions from 6 submitters: Uncertain significance (5). 1 of the submissions does not count toward it. Last evaluated 2026-05-27.

Conditions:
Cardiovascular phenotype. Identifiers: MedGen CN230736.
Hypertrophic cardiomyopathy. Also called: HYPERTROPHIC MYOCARDIOPATHY. Identifiers: Orphanet 217569, MedGen C0007194, MeSH D002312, MONDO:0005045, HP:0001639.
Cardiomyopathy (CMYO). Also called: Cardiomyopathies. Identifiers: Orphanet 167848, MedGen C0878544, MONDO:0004994, HP:0001638. Inheritance: Various modes of inheritance.

Submissions (6):

Women's Health and Genetics/Laboratory Corporation of America, LabCorp
Classification: Uncertain significance. Last evaluated: 2026-05-27. Review status: criteria provided, single submitter. Criteria: LabCorp Variant Classification Summary - May 2015. Collection method: clinical testing. Allele origin: germline.
Comment: Variant summary: MYBPC3 c.239delinsGAGG (p.Ala80delinsGlyGly) results in an in-frame deletion-insertion that is predicted to delete one amino acids from the protein and insert two amino acids. The variant was absent in 1565898 control chromosomes. c.239delinsGAGG has been observed in individual(s) affected with MYBPC3-related conditions. These report(s) do not provide unequivocal conclusions about association of the variant with disease (e.g. Walsh_2017, Lakdawala_2012, Pugh_2014, Murphy_2024). To our knowledge, no experimental evidence demonstrating an impact on protein function has been reported. The following publications have been ascertained in the context of this evaluation (PMID: 34674813, 22464770, 38489124, 24503780, 27532257). ClinVar contains an entry for this variant (Variation ID: 177816). Based on the evidence outlined above, the variant was classified as uncertain significance.

Labcorp Genetics (formerly Invitae), Labcorp
Classification: Uncertain significance for Hypertrophic cardiomyopathy. Last evaluated: 2026-01-23. Review status: criteria provided, single submitter. Criteria: Invitae Variant Classification Sherloc (09022015). Collection method: clinical testing. Allele origin: germline.
Comment: This variant, c.239delinsGAGG, is a complex sequence change that results in the deletion of 1 and insertion of 2 amino acid(s) in the MYBPC3 protein (p.Ala80delinsGlyGly). Information on the frequency of this variant in the gnomAD database is not available, as this variant may be reported differently in the database. This variant has been observed in individual(s) with dilated cardiomyopathy (PMID: 22464770, 27532257). Experimental studies and prediction algorithms are not available or were not evaluated, and the functional significance of this variant is currently unknown. In summary, the available evidence is currently insufficient to determine the role of this variant in disease. Therefore, it has been classified as a Variant of Uncertain Significance.

Ambry Genetics
Classification: Uncertain significance for Cardiovascular phenotype. Last evaluated: 2024-10-09. Review status: criteria provided, single submitter. Criteria: Ambry Variant Classification Scheme 2023. Collection method: clinical testing. Allele origin: germline.
Comment: The c.239delCinsGAGG variant (also known as p.A80delinsGG), located in coding exon 2 of the MYBPC3 gene, results from an in-frame deletion of C and insertion of GAGG at nucleotide position 239. This results in the substitution of a highly conserved alanine residue at codon 80 for two glycine residues. This alteration has been detected in an individual from a dilated cardiomyopathy cohort (Lakdawala NK et al. J. Card. Fail., 2012 Apr;18:296-303; Pugh TJ et al. Genet. Med. 2014 Aug;16(8):601-8; Walsh R et al. Genet. Med., 2017 Feb;19:192-203). In addition, the in silico prediction for this alteration is inconclusive (Choi Y et al. PLoS ONE. 2012; 7(10):e46688). Since supporting evidence is limited at this time, the clinical significance of this alteration remains unclear.

Blueprint Genetics
Classification: Uncertain significance. Last evaluated: 2023-12-28. Review status: criteria provided, single submitter. Criteria: ACMG Guidelines, 2015. Collection method: clinical testing. Allele origin: germline.

Color Diagnostics, LLC DBA Color Health
Classification: Uncertain significance for Cardiomyopathy. Last evaluated: 2023-06-20. Review status: criteria provided, single submitter. Criteria: ACMG Guidelines, 2015. Collection method: clinical testing. Allele origin: germline.
Comment: This variant causes an in-frame deletion of one amino acid and insertion of two amino acids at exon 2 of the MYBPC3 protein. To our knowledge, functional studies have not been reported for this variant. This variant has been reported in one individual affected with dilated cardiomyopathy (PMID: 22464770, 27532257). This variant has not been identified in the general population by the Genome Aggregation Database (gnomAD). The available evidence is insufficient to determine the role of this variant in disease conclusively. Therefore, this variant is classified as a Variant of Uncertain Significance.

Laboratory for Molecular Medicine, Mass General Brigham Personalized Medicine
Classification: Uncertain significance. Last evaluated: 2013-01-23. Review status: no assertion criteria provided. Collection method: clinical testing. Allele origin: germline. Observed: 1 variant allele. Not counted in ClinVar's aggregate classification.
Comment: proposed classification - variant undergoing re-assessment, contact laboratory

Literature cited by the submitters: PubMed 22464770 (cited by 4 submitters); PubMed 24503780 (cited by Women's Health and Genetics/Laboratory Corporation of America, LabCorp); PubMed 27532257 (cited by 4 submitters); PubMed 38489124 (cited by Women's Health and Genetics/Laboratory Corporation of America, LabCorp); PubMed 34674813 (cited by Women's Health and Genetics/Laboratory Corporation of America, LabCorp); PubMed 20474083 (cited by Ambry Genetics).